The following is an entry in ClinVar:

NM_004104.5(FASN):c.1237G>A (p.Ala413Thr)

Gene: FASN (fatty acid synthase; minus strand). Cytogenetic location: 17q25.3.
Variant type: single nucleotide variant.
Coding change: c.1237G>A on transcript NM_004104.5 (MANE Select); coding-DNA position 1237, G replaced by A.
Protein change: p.Ala413Thr; replaces alanine 413 with threonine.
Molecular consequence: missense variant.
Genome position (GRCh38, 1-based): chr17:82,091,477, C>T on the plus strand (G>A on the coding strand, the complement: FASN is on the minus strand). VCF-style: chr17-82091477-C-T. GRCh37 (hg19) VCF-style: chr17-80049353-C-T.
Other names: short protein forms A413T.
Identifiers: ClinVar variation 462001 (VCV000462001.8), dbSNP rs373548684, ClinGen allele CA8853219.

ClinVar aggregate classification (germline): Uncertain significance (1 of 4 stars; one submission).

Conditions:
Epileptic encephalopathy. Identifiers: MedGen C0543888, HP:0200134.

Allele frequency attached by ClinVar (database versions not stated): gnomAD exomes 0.00003 and 0.00005; TOPMed 0.00004; gnomAD 0.00005 and 0.00004; ExAC 0.00004; ESP Exome Variant Server 0.00008.

Submission:

Labcorp Genetics (formerly Invitae), Labcorp
Classification: Uncertain significance for Epileptic encephalopathy. Last evaluated: 2020-12-04. Review status: criteria provided, single submitter. Criteria: Invitae Variant Classification Sherloc (09022015). Collection method: clinical testing. Allele origin: germline.
Comment: This sequence change replaces alanine with threonine at codon 413 of the FASN protein (p.Ala413Thr). The alanine residue is weakly conserved and there is a small physicochemical difference between alanine and threonine. In summary, the available evidence is currently insufficient to determine the role of this variant in disease. Therefore, it has been classified as a Variant of Uncertain Significance. Algorithms developed to predict the effect of missense changes on protein structure and function output the following: SIFT: "Tolerated"; PolyPhen-2: "Benign"; Align-GVGD: "Class C0". The threonine amino acid residue is found in multiple mammalian species, suggesting that this missense change does not adversely affect protein function. These predictions have not been confirmed by published functional studies and their clinical significance is uncertain. This variant has not been reported in the literature in individuals with FASN-related conditions. ClinVar contains an entry for this variant (Variation ID: 462001). This variant is present in population databases (rs373548684, ExAC 0.008%).